The following is an entry in ClinVar:

NM_000238.4(KCNH2):c.2038del (p.Val680fs)

Gene: KCNH2 (potassium voltage-gated channel subfamily H member 2; minus strand). Cytogenetic location: 7q36.1.
Variant type: Deletion.
Coding change: c.2038del on transcript NM_000238.4 (MANE Select); coding-DNA position 2038, one base deleted (G; older notation c.2038delG).
Protein change: p.Val680fs; shifts the reading frame from valine 680.
Molecular consequence: frameshift variant.
Genome position (GRCh38, 1-based): chr7:150,951,028, C deleted on the plus strand (G on the coding strand, the reverse complement: KCNH2 is on the minus strand); the first of 3 consecutive C bases (chr7:150,951,028-150,951,030); deleting any one gives the same sequence. VCF-style (leftmost placement, unchanged base first): chr7-150951027-AC-A. GRCh37 (hg19) VCF-style: chr7-150648115-AC-A.
Other names: c.2036delG, p.Val680Cysfs (NM_000238.3, NM_172056.3); c.1018del, p.Val340fs (NM_001204798.2, NM_172057.3); c.1748delG, p.Val584Cysfs (NM_001406753.1, NM_001406756.1); c.1859delG, p.Val621Cysfs (NM_001406755.1); c.1736delG, p.Val580Cysfs (NM_001406757.1); short protein forms V340fs, V680fs.
Identifiers: ClinVar variation 427944 (VCV000427944.4), dbSNP rs1554425498, ClinGen allele CA645372847.
Genomic context (GRCh38, chr7:150,951,027, plus strand): 5'-TACTCCTCGAGGCGCTGGCGCAGGGGATTGGGGATCTGGTGGAAGCGGATGAACTCCCGC[AC>A]CCGCAGCATCTGTGTGTGGTAGCGGGCTGTGCCCGAGTACAGCCGCTGGATGATGGCCGA-3'

ClinVar aggregate classification (germline): Pathogenic (1 of 4 stars; one submission).

Conditions:
Long QT syndrome 2 (LQT2). Identifiers: Orphanet 101016, Orphanet 768, MedGen C3150943, MONDO:0013367, OMIM 613688.

Submission:

Center for Human Genetics, University of Leuven
Classification: Pathogenic for Long QT syndrome 2. Last evaluated: 2017-02-09. Review status: criteria provided, single submitter. Criteria: ACMG Guidelines, 2015. Collection method: clinical testing. Allele origin: germline. Inheritance: Autosomal dominant inheritance. Affected: yes. Observed: 15 variant alleles.
Comment: ACMG score pathogenic